The following is an entry in ClinVar:

ClinVar aggregate classification (germline): Uncertain significance. Review status: criteria provided, single submitter (1 of 4 stars). 2 submissions from 2 submitters: Uncertain significance (1). 1 of the submissions does not count toward it. Last evaluated 2022-08-16.

Conditions:
Primary ciliary dyskinesia. Also called: Ciliary dyskinesia. Identifiers: Orphanet 244, MedGen C0008780, MONDO:0016575, HP:0012265.

Allele frequency attached by ClinVar (database versions not stated): gnomAD exomes below 0.00001.
gnomAD v4.1: 1 of 1,614,046 alleles (0.000062%); highest among the groups gnomAD compares: Non-Finnish European, 0.000085%; no homozygotes.

Submissions (2):

Labcorp Genetics (formerly Invitae), Labcorp
Classification: Uncertain significance for Primary ciliary dyskinesia. Last evaluated: 2022-08-16. Review status: criteria provided, single submitter. Criteria: Invitae Variant Classification Sherloc (09022015). Collection method: clinical testing. Allele origin: germline.
Comment: This sequence change replaces glycine, which is neutral and non-polar, with aspartic acid, which is acidic and polar, at codon 2560 of the DNAH5 protein (p.Gly2560Asp). This variant is not present in population databases (gnomAD no frequency). This variant has not been reported in the literature in individuals affected with DNAH5-related conditions. ClinVar contains an entry for this variant (Variation ID: 525270). Advanced modeling of protein sequence and biophysical properties (such as structural, functional, and spatial information, amino acid conservation, physicochemical variation, residue mobility, and thermodynamic stability) performed at Invitae indicates that this missense variant is not expected to disrupt DNAH5 protein function. In summary, the available evidence is currently insufficient to determine the role of this variant in disease. Therefore, it has been classified as a Variant of Uncertain Significance.

Natera, Inc.
Classification: Uncertain significance for Primary ciliary dyskinesia. Last evaluated: 2021-03-23. Review status: no assertion criteria provided. Collection method: clinical testing. Allele origin: germline. Not counted in ClinVar's aggregate classification.

NM_001369.3(DNAH5):c.7679G>A (p.Gly2560Asp)

Gene: DNAH5 (dynein axonemal heavy chain 5; minus strand). Cytogenetic location: 5p15.2.
Variant type: single nucleotide variant.
Coding change: c.7679G>A on transcript NM_001369.3 (MANE Select); coding-DNA position 7679, G replaced by A.
Protein change: p.Gly2560Asp; replaces glycine 2560 with aspartic acid.
Molecular consequence: missense variant.
Genome position (GRCh38, 1-based): chr5:13,809,117, C>T on the plus strand (G>A on the coding strand, the complement: DNAH5 is on the minus strand). VCF-style: chr5-13809117-C-T. GRCh37 (hg19) VCF-style: chr5-13809226-C-T.
Other names: short protein forms G2560D.
Identifiers: ClinVar variation 525270 (VCV000525270.10), dbSNP rs1554058022, ClinGen allele CA359230787.
Genomic context (GRCh38, chr5:13,809,117, plus strand): 5'-GCAATGGTTTGAATTAGAAAGTCAGTCCTCACATTGTCAACATTTGGCACCAGAATAGAA[C>T]CATACTCTGGGGTGGTATCAGACGGATACAGGTATTCCTGGGTACGCGTGTTCCAGTGCG-3'
Protein context (NP_001360.1, residues 2550-2570): LYPSDTTPEY[Gly2560Asp]SILVPNVDNV